The following is an entry in ClinVar:

NM_144997.7(FLCN):c.1509C>T (p.Cys503=)

Gene: FLCN (folliculin; minus strand). Cytogenetic location: 17p11.2.
Variant type: single nucleotide variant.
Coding change: c.1509C>T on transcript NM_144997.7 (MANE Select); coding-DNA position 1509, C replaced by T.
Protein change: p.Cys503=; no amino-acid change (cysteine 503 retained).
Molecular consequence: synonymous variant.
Genome position (GRCh38, 1-based): chr17:17,215,014, G>A on the plus strand (C>T on the coding strand, the complement: FLCN is on the minus strand). VCF-style: chr17-17215014-G-A. GRCh37 (hg19) VCF-style: chr17-17118328-G-A.
Other names: c.1509C>T (LRG_325t1); c.1563C>T, p.Cys521= (NM_001353229.2); c.1509C>T, p.Cys503= (NM_001353230.2, NM_001353231.2).
Identifiers: ClinVar variation 514888 (VCV000514888.13), dbSNP rs927844338, ClinGen allele CA288305078.

ClinVar aggregate classification (germline): Benign/Likely benign. Review status: criteria provided, multiple submitters, no conflicts (2 of 4 stars). 6 submissions from 6 submitters: Benign (1); Likely benign (5). Last evaluated 2025-10-19.

Conditions:
Birt-Hogg-Dube syndrome 1 (BHD1). Also called: FIBROFOLLICULOMAS WITH TRICHODISCOMAS AND ACROCHORDONS. Identifiers: Orphanet 122, MedGen CN375946, MONDO:0800445, OMIM 135150.
FLCN-related disorder. Also called: FLCN-related condition.
Birt-Hogg-Dube syndrome. Also called: Birt Hogg Dubé syndrome. Identifiers: Orphanet 122, MedGen C0346010, MONDO:0800444.
Hereditary cancer-predisposing syndrome. Also called: Hereditary neoplastic syndrome; Hereditary Cancer Syndrome; Neoplastic Syndromes, Hereditary; Tumor predisposition. Identifiers: Orphanet 140162, MedGen C0027672, MeSH D009386, MONDO:0015356.

Allele frequency attached by ClinVar (database versions not stated): gnomAD exomes 0.00001; gnomAD 0.00002; TOPMed 0.00004.

Submissions (6):

Labcorp Genetics (formerly Invitae), Labcorp
Classification: Likely benign for Birt-Hogg-Dube syndrome. Last evaluated: 2025-10-19. Review status: criteria provided, single submitter. Criteria: Invitae Variant Classification Sherloc (09022015). Collection method: clinical testing. Allele origin: germline.

PreventionGenetics, part of Exact Sciences
Classification: Likely benign for FLCN-related condition. Last evaluated: 2024-11-16. Review status: criteria provided, single submitter. Criteria: ACMG Guidelines, 2015. Collection method: clinical testing. Allele origin: germline.
Comment: This variant is classified as likely benign based on ACMG/AMP sequence variant interpretation guidelines (Richards et al. 2015 PMID: 25741868, with internal and published modifications).

Myriad Genetics, Inc.
Classification: Benign for Birt-Hogg-Dube syndrome 1. Last evaluated: 2024-10-25. Review status: criteria provided, single submitter. Criteria: Myriad Autosomal Dominant, Autosomal Recessive and X-Linked Classification Criteria (2023). Collection method: clinical testing. Allele origin: unknown.
Comment: This variant is considered benign. This variant is a silent/synonymous amino acid change and it is not expected to impact splicing.

Ambry Genetics
Classification: Likely benign for Hereditary cancer-predisposing syndrome. Last evaluated: 2021-02-02. Review status: criteria provided, single submitter. Criteria: Ambry Variant Classification Scheme 2023. Collection method: clinical testing. Allele origin: germline.

GeneDx
Classification: Likely benign. Last evaluated: 2018-01-11. Review status: criteria provided, single submitter. Criteria: GeneDx Variant Classification (06012015). Collection method: clinical testing. Allele origin: germline. Affected: yes.
Comment: This variant is considered likely benign or benign based on one or more of the following criteria: it is a conservative change, it occurs at a poorly conserved position in the protein, it is predicted to be benign by multiple in silico algorithms, and/or has population frequency not consistent with disease.

Breakthrough Genomics
Classification: Likely benign. Review status: criteria provided, single submitter. Criteria: ACMG Guidelines, 2015. Collection method: not provided. Allele origin: germline. Inheritance: Autosomal dominant inheritance. Affected: yes.